The following is an entry in ClinVar:

NM_000823.4(GHRHR):c.705C>A (p.Ser235=)

Gene: GHRHR (growth hormone releasing hormone receptor; plus strand). Cytogenetic location: 7p14.3.
Variant type: single nucleotide variant.
Coding change: c.705C>A on transcript NM_000823.4 (MANE Select); coding-DNA position 705, C replaced by A.
Protein change: p.Ser235=; no amino-acid change (serine 235 retained).
Molecular consequence: synonymous variant.
Genome position (GRCh38, 1-based): chr7:30,974,092, C>A. VCF-style: chr7-30974092-C-A. GRCh37 (hg19) VCF-style: chr7-31013707-C-A.
Identifiers: ClinVar variation 4874857 (VCV004874857.2).

ClinVar aggregate classification (germline): Likely benign (1 of 4 stars; one submission).

Submission:

CeGaT Center for Human Genetics Tuebingen
Classification: Likely benign. Last evaluated: 2026-05-01. Review status: criteria provided, single submitter. Criteria: CeGaT Center For Human Genetics Tuebingen Variant Classification Criteria Version 2. Collection method: clinical testing. Allele origin: germline. Affected: yes. Observed: 1 variant allele.
Comment: GHRHR: PM2:Supporting, BP4, BP7